The following is an entry in ClinVar:

NM_000359.3(TGM1):c.1472C>T (p.Thr491Met)

Gene: TGM1 (transglutaminase 1; minus strand). Cytogenetic location: 14q12.
Variant type: single nucleotide variant.
Coding change: c.1472C>T on transcript NM_000359.3 (MANE Select); coding-DNA position 1472, C replaced by T.
Protein change: p.Thr491Met; replaces threonine 491 with methionine.
Molecular consequence: missense variant.
Genome position (GRCh38, 1-based): chr14:24,256,008, G>A on the plus strand (C>T on the coding strand, the complement: TGM1 is on the minus strand). VCF-style: chr14-24256008-G-A. GRCh37 (hg19) VCF-style: chr14-24725214-G-A.
Other names: c.1472C>T (NM_000359.2); short protein forms T491M.
Identifiers: ClinVar variation 2679175 (VCV002679175.8), dbSNP rs1249489400, ClinGen allele CA389255859.
Genomic context (GRCh38, chr14:24,256,008, plus strand): 5'-ATGACTGAAGCCCAAGAAGGCACCTGGAGCCCAGCCCTCACCTCAGCAAAAATGAAAGGC[G>A]TGTCGTACTTCATGTAGACCAGGCCATTCTTGATGGACTCCACAGAGCAGGGGCCGCAGC-3'
Protein context (NP_000350.1, residues 481-501): KNGLVYMKYD[Thr491Met]PFIFAEVNSD

ClinVar aggregate classification (germline): Likely pathogenic. Review status: criteria provided, multiple submitters, no conflicts (2 of 4 stars). 5 submissions from 5 submitters: Likely pathogenic (5). Last evaluated 2025-07-01.

Conditions:
Autosomal recessive congenital ichthyosis 1 (LI1). Also called: ICHTHYOSIS, CONGENITAL, AUTOSOMAL RECESSIVE 1, WITH BATHING SUIT DISTRIBUTION; ICHTHYOSIS, CONGENITAL, AUTOSOMAL RECESSIVE 1, WITH OR WITHOUT BATHING SUIT DISTRIBUTION; COLLODION FETUS; DESQUAMATION OF NEWBORN; ICHTHYOSIS CONGENITA; ICHTHYOSIS CONGENITA II. Identifiers: MedGen C4551630, MONDO:0009441, OMIM 242300.

Allele frequency attached by ClinVar (database versions not stated): gnomAD 0.00001; TOPMed 0.00001; gnomAD exomes below 0.00001.
gnomAD v4.1: 6 of 1,565,502 alleles (0.00038%); highest among the groups gnomAD compares: Admixed American, 0.0038%; no homozygotes.

Submissions (5):

Myriad Genetics, Inc.
Classification: Likely pathogenic for Autosomal recessive congenital ichthyosis 1. Last evaluated: 2025-07-01. Review status: criteria provided, single submitter. Criteria: Myriad Autosomal Dominant, Autosomal Recessive and X-Linked Classification Criteria (2023). Collection method: clinical testing. Allele origin: unknown.
Comment: NM_000359.2(TGM1):c.1472C>T(T491M) is a missense variant classified as likely pathogenic in the context of TGM1-related autosomal recessive congenital ichthyosis. T491M has been observed in cases with relevant disease (PMID: 32534952, 21668430, 29582451, 33103336, Abad_2013_(Thesis)). Relevant functional assessments of this variant are not available in the literature. T491M has not been observed in referenced population frequency databases. In summary, NM_000359.2(TGM1):c.1472C>T(T491M) is a missense variant that has been observed more frequently in cases with the relevant disease than in healthy populations. Please note: this variant was assessed in the context of healthy population screening.

Natera, Inc.
Classification: Likely pathogenic for Autosomal recessive congenital ichthyosis type 1. Last evaluated: 2025-06-26. Review status: criteria provided, single submitter. Criteria: Natera Variant Classification Schema (03/2026). Collection method: clinical testing. Allele origin: germline.
Comment: The c.1472C>T variant in TGM1 is a missense variant predicted to cause substitution of threonine to methionine at amino acid 491. This variant is rare in the general population with a frequency below the threshold expected for the associated phenotype(s). This variant has been observed in one or more individuals affected with the associated recessive disease, as either homozygous or compound heterozygous with a second variant (PMID: 21668430, 29582451, 32534952). This variant has been observed to segregate in affected family members (PMID: 21668430). Computational prediction algorithms indicate this variant is likely to affect gene or protein function. Given the available evidence, this variant is classified as Likely Pathogenic.

Fulgent Genetics
Classification: Likely pathogenic for Autosomal recessive congenital ichthyosis 1. Last evaluated: 2024-05-23. Review status: criteria provided, single submitter. Criteria: ACMG Guidelines, 2015. Collection method: clinical testing. Allele origin: germline.

Baylor Genetics
Classification: Likely pathogenic for Autosomal recessive congenital ichthyosis 1. Last evaluated: 2024-02-06. Review status: criteria provided, single submitter. Criteria: ACMG Guidelines, 2015. Collection method: clinical testing. Allele origin: unknown.

Labcorp Genetics (formerly Invitae), Labcorp
Classification: Likely pathogenic. Last evaluated: 2023-10-09. Review status: criteria provided, single submitter. Criteria: Invitae Variant Classification Sherloc (09022015). Collection method: clinical testing. Allele origin: germline.
Comment: This sequence change replaces threonine, which is neutral and polar, with methionine, which is neutral and non-polar, at codon 491 of the TGM1 protein (p.Thr491Met). This variant is not present in population databases (gnomAD no frequency). This missense change has been observed in individual(s) with congenital ichthyosis (PMID: 21668430, 31168818). Advanced modeling of protein sequence and biophysical properties (such as structural, functional, and spatial information, amino acid conservation, physicochemical variation, residue mobility, and thermodynamic stability) performed at Invitae indicates that this missense variant is expected to disrupt TGM1 protein function. In summary, the currently available evidence indicates that the variant is pathogenic, but additional data are needed to prove that conclusively. Therefore, this variant has been classified as Likely Pathogenic.

Literature cited by the submitters: PubMed 21668430 (cited by Natera, Inc. and Labcorp Genetics (formerly Invitae), Labcorp); PubMed 29582451 (cited by Natera, Inc.); PubMed 32534952 (cited by Natera, Inc.); PubMed 31168818 (cited by Labcorp Genetics (formerly Invitae), Labcorp).